The following is an entry in ClinVar:

ClinVar aggregate classification (germline): Likely pathogenic (1 of 4 stars; one submission).

Conditions:
Familial thoracic aortic aneurysm and aortic dissection (TAAD). Also called: Thoracic aortic aneurysms and dissections. Identifiers: Orphanet 91387, MedGen C4707243, MONDO:0019625.

Submission:

Ambry Genetics
Classification: Likely pathogenic for Familial thoracic aortic aneurysm and aortic dissection. Last evaluated: 2022-02-11. Review status: criteria provided, single submitter. Criteria: Ambry Variant Classification Scheme 2023. Collection method: clinical testing. Allele origin: germline.
Comment: The p.C2455R variant (also known as c.7363T>C), located in coding exon 59 of the FBN1 gene, results from a T to C substitution at nucleotide position 7363. The cysteine at codon 2455 is replaced by arginine, an amino acid with highly dissimilar properties, and is located in the cbEGF-like #38 domain. The majority of FBN1 mutations identified to date have involved the substitution or generation of cysteine residues within cbEGF domains (Vollbrandt T et al. J Biol Chem. 2004;279(31):32924-32931). This variant co-segregated with disease in one small family tested in our laboratory (Ambry internal data). Two other alterations of the same codon, p.C2455Y (c.7364G>A) and p.C2455S (c.7364G>C), have been reported previously in Marfan syndrome cohorts (Howarth R et al. Genet Test. 2007;11(2):146-152; Soylen B et al. Clin Genet. 2009;75(3):265-270). Based on structural analysis, this alteration is expected to cause loss of a disulfide bond and impact the structural integrity in cbEGF-like #38 (Ambry internal data). This variant is considered to be rare based on population cohorts in the Genome Aggregation Database (gnomAD). This amino acid position is highly conserved in available vertebrate species. In addition, this alteration is predicted to be deleterious by in silico analysis. Based on the majority of available evidence to date, this variant is likely to be pathogenic.

Literature cited by the submitters: PubMed 15161917; PubMed 17627385; PubMed 19159394.

NM_000138.5(FBN1):c.7363T>C (p.Cys2455Arg)

Gene: FBN1 (fibrillin 1; minus strand). Cytogenetic location: 15q21.1.
Variant type: single nucleotide variant.
Coding change: c.7363T>C on transcript NM_000138.5 (MANE Select); coding-DNA position 7363, T replaced by C.
Protein change: p.Cys2455Arg; replaces cysteine 2455 with arginine.
Molecular consequence: missense variant.
Genome position (GRCh38, 1-based): chr15:48,425,459, A>G on the plus strand (T>C on the coding strand, the complement: FBN1 is on the minus strand). VCF-style: chr15-48425459-A-G. GRCh37 (hg19) VCF-style: chr15-48717656-A-G.
Other names: short protein forms C2455R.
Identifiers: ClinVar variation 263805 (VCV000263805.5), dbSNP rs886038930, ClinGen allele CA10587794.